The following is an entry in ClinVar:

NM_000478.6(ALPL):c.146A>T (p.Asn49Ile)

Gene: ALPL (alkaline phosphatase, biomineralization associated; plus strand). Cytogenetic location: 1p36.12.
Variant type: single nucleotide variant.
Coding change: c.146A>T on transcript NM_000478.6 (MANE Select); coding-DNA position 146, A replaced by T.
Protein change: p.Asn49Ile; replaces asparagine 49 with isoleucine.
Molecular consequence: missense variant. On other transcripts: 5 prime UTR variant (1).
Genome position (GRCh38, 1-based): chr1:21,560,710, A>T. VCF-style: chr1-21560710-A-T. GRCh37 (hg19) VCF-style: chr1-21887203-A-T.
Other names: c.-20A>T (NM_001127501.4); c.31A>T, p.Thr11Ser (NM_001177520.3); c.146A>T, p.Asn49Ile (NM_001369803.2, NM_001369804.2, NM_001369805.2); short protein forms N49I, T11S.
Identifiers: ClinVar variation 1338725 (VCV001338725.4), dbSNP rs868522953, ClinGen allele CA338877627.
Genomic context (GRCh38, chr1:21,560,710, plus strand): 5'-GGCGAGACCAAGCGCAAGAGACACTGAAATATGCCCTGGAGCTTCAGAAGCTCAACACCA[A>T]CGTGGCTAAGAATGTCATCATGTTCCTGGGAGATGGTGAGGCCCAGGGGCCTGTGGGAGG-3'
Protein context (NP_000469.3, residues 39-59): YALELQKLNT[Asn49Ile]VAKNVIMFLG

ClinVar aggregate classification (germline): Likely pathogenic. Review status: criteria provided, multiple submitters, no conflicts (2 of 4 stars). 2 submissions from 2 submitters: Likely pathogenic (2). Last evaluated 2026-09-01.

Conditions:
Hypophosphatasia. Also called: Phosphoethanol-aminuria. Identifiers: Orphanet 436, MedGen C0020630, MeSH D007014, MONDO:0018570.

Submissions (2):

Genomenon, Inc
Classification: Likely pathogenic for Hypophosphatasia. Last evaluated: 2026-09-01. Review status: criteria provided, single submitter. Criteria: Genomenon Sequence Variant Interpretation Standards - Updated. Collection method: curation. Allele origin: germline. Affected: yes.
Comment: ALPL p.Asn49Ile (c.146A>T) is a missense variant that changes the amino acid at codon 49 from Asparagine to Isoleucine. This variant has been observed in at least one proband affected with an ALPL-related disorder (PMID:32973344). At least one functional study has demonstrated a substantial alteration in protein function relative to the wild-type (PMID:40386289). It is absent or not present at a significant frequency in gnomAD. In conclusion, we classify ALPL p.Asn49Ile (c.146A>T) as a likely pathogenic variant.

JKU Lab, Dept of Paediatrics, Johannes Kepler University
Classification: Likely pathogenic for Hypophosphatasia. Last evaluated: 2021-11-15. Review status: criteria provided, single submitter. Criteria: ACMG Classification. Collection method: clinical testing. Allele origin: germline. Affected: yes. Observed: 1 compound heterozygote.
Comment: This variant is absent from large population studies. Functional studies performed at the JKU Hoegler lab showed reduced ALPL activity. ACMG Criteria used for classification: PS3_mod, PM2_sup, PP2_sup, PP3_sup, PP4_sup.

Literature cited by the submitters: PubMed 32973344 (cited by Genomenon, Inc and JKU Lab, Dept of Paediatrics, Johannes Kepler University); PubMed 40386289 (cited by Genomenon, Inc); PubMed 32160374 (cited by JKU Lab, Dept of Paediatrics, Johannes Kepler University).